The following is an entry in ClinVar:

NM_001127208.3(TET2):c.1951C>A (p.Leu651Ile)

Genes: TET2 (tet methylcytosine dioxygenase 2; plus strand), TET2-AS1 (TET2 antisense RNA 1; minus strand). Cytogenetic location: 4q24.
Variant type: single nucleotide variant.
Coding change: c.1951C>A on transcript NM_001127208.3 (MANE Select); coding-DNA position 1951, C replaced by A.
Protein change: p.Leu651Ile; replaces leucine 651 with isoleucine.
Molecular consequence: missense variant.
Genome position (GRCh38, 1-based): chr4:105,235,893, C>A. VCF-style: chr4-105235893-C-A. GRCh37 (hg19) VCF-style: chr4-106157050-C-A.
Other names: c.1951C>A, p.Leu651Ile (NM_017628.4); short protein forms L651I.
Identifiers: ClinVar variation 3455392 (VCV003455392.1).

ClinVar aggregate classification (germline): Uncertain significance (1 of 4 stars; one submission).

Submission:

Ambry Genetics
Classification: Uncertain significance. Last evaluated: 2024-12-08. Review status: criteria provided, single submitter. Criteria: Ambry Variant Classification Scheme 2023. Collection method: clinical testing. Allele origin: germline.
Comment: The p.L651I variant (also known as c.1951C>A), located in coding exon 1 of the TET2 gene, results from a C to A substitution at nucleotide position 1951. The leucine at codon 651 is replaced by isoleucine, an amino acid with highly similar properties. This amino acid position is conserved. In addition, this alteration is predicted to be tolerated by in silico analysis. Based on the available evidence, the clinical significance of this variant remains unclear.